The following is an entry in ClinVar:

ClinVar aggregate classification (germline): Uncertain significance (1 of 4 stars; one submission).

Conditions:
Myofibrillar myopathy 4. Also called: Zaspopathy (type). Identifiers: Orphanet 98912, MedGen C4721886, MONDO:0012277, OMIM 609452.

Allele frequency attached by ClinVar (database versions not stated): gnomAD exomes below 0.00001.
gnomAD v4.1: 2 of 1,597,566 alleles (0.00013%); highest among the groups gnomAD compares: African/African-American, 0.0013%; no homozygotes.

Submission:

Labcorp Genetics (formerly Invitae), Labcorp
Classification: Uncertain significance for Myofibrillar myopathy 4. Last evaluated: 2024-02-19. Review status: criteria provided, single submitter. Criteria: Invitae Variant Classification Sherloc (09022015). Collection method: clinical testing. Allele origin: germline.
Comment: The LDB3 gene has multiple clinically relevant transcripts. This variant occurs in alternate transcript NM_007078.3, and corresponds to NM_001080116.1:c.*26743C>T in the primary transcript. This sequence change falls in intron 12 of the LDB3 gene. It does not directly change the encoded amino acid sequence of the LDB3 protein. This variant is not present in population databases (gnomAD no frequency). This variant has not been reported in the literature in individuals affected with LDB3-related conditions. Experimental studies and prediction algorithms are not available or were not evaluated, and the effect of this variant on mRNA splicing is currently unknown. In summary, the available evidence is currently insufficient to determine the role of this variant in disease. Therefore, it has been classified as a Variant of Uncertain Significance.

NM_007078.3(LDB3):c.1979-20C>T

Gene: LDB3 (LIM domain binding 3; plus strand). Cytogenetic location: 10q23.2.
Variant type: single nucleotide variant.
Coding change: c.1979-20C>T on transcript NM_007078.3 (MANE Select); 20 bases into the intron before coding-DNA position 1979, C replaced by T.
Molecular consequence: intron variant.
Genome position (GRCh38, 1-based): chr10:86,726,117, C>T. VCF-style: chr10-86726117-C-T. GRCh37 (hg19) VCF-style: chr10-88485874-C-T.
Other names: c.1790-20C>T (NM_001368064.1, NM_001368065.1); c.1994-20C>T (NM_001171610.2); c.1838-20C>T (NM_001368066.1); c.1649-20C>T (NM_001080114.2).
Identifiers: ClinVar variation 2696765 (VCV002696765.3), dbSNP rs2492850399, ClinGen allele CA2609997609.
Genomic context (GRCh38, chr10:86,726,117, plus strand): 5'-ACTGATTTGGGGTTTGTCTTGGCTTTGGGTCCCCGCTGCCCCCACTGGGTGCGGGGTCTT[C>T]ACTCTGCTTTTCATTTCAGACTACATCAATCTGTTCAGCACCAAGTGCCATGGCTGCGAT-3'